The following is an entry in ClinVar:

NM_022041.4(GAN):c.280C>T (p.Gln94Ter)

Gene: GAN (gigaxonin; plus strand). Cytogenetic location: 16q23.2.
Variant type: single nucleotide variant.
Coding change: c.280C>T on transcript NM_022041.4 (MANE Select); coding-DNA position 280, C replaced by T.
Protein change: p.Gln94Ter; replaces glutamine 94 with a stop codon.
Molecular consequence: nonsense. On other transcripts: intron variant (1).
Genome position (GRCh38, 1-based): chr16:81,351,695, C>T. VCF-style: chr16-81351695-C-T. GRCh37 (hg19) VCF-style: chr16-81385300-C-T.
Other names: c.-357-2710C>T (NM_001377486.1); short protein forms Q94*.
Identifiers: ClinVar variation 2504613 (VCV002504613.7), dbSNP rs2507724261, ClinGen allele CA396866127.
Genomic context (GRCh38, chr16:81,351,695, plus strand): 5'-GAACTTGAAGGGATATCGGTAATGGTTATGAGAGAGATCCTGGATTACATCTTCAGTGGG[C>T]AGGTATGATGAGAAACAAAGGAAGGAAGACCTAAGTAGAGGCTTCTCAAGCTCAGGGTGA-3'

ClinVar aggregate classification (germline): Uncertain significance (1 of 4 stars; one submission).

Conditions:
Giant axonal neuropathy. Identifiers: MedGen C5200933, MONDO:0000128.

Submission:

Clinical Omics and Informatics (COIN) Unit, Neuroscience Institute, University Of Cape Town
Classification: Uncertain significance for Giant axonal neuropathy. Last evaluated: 2025-08-25. Review status: criteria provided, single submitter. Criteria: ACMG Guidelines, 2015. Collection method: research. Allele origin: germline. Inheritance: Autosomal recessive inheritance. Affected: yes. Observed: 1 compound heterozygote.
Comment: PM2_supporting: this variant is absent from gnomAD v2.1.1 and v3.1.2 (adequate coverage >20X confirmed) and an internal database of 1074 control alleles. PVS1 met: this nonsense (stop gained) variant is found in exon 2 of the GAN gene which has a total of 11 exons. It is predicted to result in NMD. Loss of function of at least one GAN allele is an established disease mechanism for Giant Axonal Neuropathy (>=35% of pathogenic variants reported in GAN are LOF across more than one exon, GAN null mice recapitulate characteristic human GAN features PMID:16565160).

Literature cited by the submitters: PubMed 37712079; PubMed 16565160.